The following is an entry in ClinVar:

NM_004369.4(COL6A3):c.249C>T (p.Phe83=)

Gene: COL6A3 (collagen type VI alpha 3 chain; minus strand). Cytogenetic location: 2q37.3.
Variant type: single nucleotide variant.
Coding change: c.249C>T on transcript NM_004369.4 (MANE Select); coding-DNA position 249, C replaced by T.
Protein change: p.Phe83=; no amino-acid change (phenylalanine 83 retained).
Molecular consequence: synonymous variant. On other transcripts: intron variant (4).
Genome position (GRCh38, 1-based): chr2:237,395,047, G>A on the plus strand (C>T on the coding strand, the complement: COL6A3 is on the minus strand). VCF-style: chr2-237395047-G-A. GRCh37 (hg19) VCF-style: chr2-238303690-G-A.
Other names: c.91+1680C>T (NM_057166.5, NM_057167.4, NM_057164.5 and 1 more transcripts).
Identifiers: ClinVar variation 755493 (VCV000755493.15), dbSNP rs758434537, ClinGen allele CA2189910.
Genomic context (GRCh38, chr2:237,395,047, plus strand): 5'-AAGGACTTCTTGTTTAGTACGATACGTATTTAACAGGAACTCGGTATGTGGGTTTCCGTT[G>A]AACTGGACCAGAGCAAAATGGAAATCATTTTCTCCCACAGCTAAGGATTTTACAACATCA-3'
Protein context (NP_004360.2, residues 73-93): ENDFHFALVQ[Phe83=]NGNPHTEFLL

ClinVar aggregate classification (germline): Conflicting classifications of pathogenicity. Review status: criteria provided, conflicting classifications (1 of 4 stars). 3 submissions from 3 submitters: Uncertain significance (2); Likely benign (1). Last evaluated 2023-10-06.

Conditions:
Bethlem myopathy 1A. Also called: Bethlem Muscular Dystrophy; MYOPATHY, BENIGN CONGENITAL, WITH CONTRACTURES; Bethlem myopathy 1. Identifiers: Orphanet 610, MedGen CN029274, MONDO:0024530, OMIM 158810.

Allele frequency attached by ClinVar (database versions not stated): ExAC 0.00001; gnomAD exomes 0.00001 and below 0.00001; gnomAD 0.00003; TOPMed 0.00005.
gnomAD v4.1: 11 of 1,614,010 alleles (0.00068%); highest among the groups gnomAD compares: African/African-American, 0.015%; no homozygotes.

Submissions (3):

Labcorp Genetics (formerly Invitae), Labcorp
Classification: Likely benign for Bethlem myopathy 1A. Last evaluated: 2023-10-06. Review status: criteria provided, single submitter. Criteria: Invitae Variant Classification Sherloc (09022015). Collection method: clinical testing. Allele origin: germline.

GeneDx
Classification: Uncertain significance. Last evaluated: 2019-12-05. Review status: criteria provided, single submitter. Criteria: GeneDx Variant Classification Process June 2021. Collection method: clinical testing. Allele origin: germline. Affected: yes.
Comment: Has not been previously published as pathogenic or benign to our knowledge; In silico analysis, which includes splice predictors and evolutionary conservation, supports that this variant does not alter protein structure/function

Revvity Omics, Revvity
Classification: Uncertain significance. Last evaluated: 2019-11-14. Review status: criteria provided, single submitter. Criteria: ACMG Guidelines, 2015. Collection method: clinical testing. Allele origin: germline.